The following is an entry in ClinVar:

NM_178857.6(RP1L1):c.751+6T>C

Gene: RP1L1 (RP1 like 1). Cytogenetic location: 8p23.1.
Variant type: single nucleotide variant.
Coding change: c.751+6T>C on transcript NM_178857.6 (MANE Select); 6 bases into the intron after coding-DNA position 751, T replaced by C.
Molecular consequence: intron variant.
Genome position (GRCh38, 1-based): chr8:10,616,440, A>G on the plus strand (T>C on the coding strand, the complement: RP1L1 is on the minus strand). VCF-style: chr8-10616440-A-G. GRCh37 (hg19) VCF-style: chr8-10473950-A-G.
Identifiers: ClinVar variation 1985831 (VCV001985831.4), dbSNP rs780916998, ClinGen allele CA4625483.

ClinVar aggregate classification (germline): Uncertain significance (1 of 4 stars; one submission).

Allele frequency attached by ClinVar (database versions not stated): gnomAD 0.00001; TOPMed 0.00003.
gnomAD v4.1: 7 of 1,613,900 alleles (0.00043%); highest among the groups gnomAD compares: African/African-American, 0.0053%; no homozygotes.

Submission:

Labcorp Genetics (formerly Invitae), Labcorp
Classification: Uncertain significance. Last evaluated: 2022-08-12. Review status: criteria provided, single submitter. Criteria: Invitae Variant Classification Sherloc (09022015). Collection method: clinical testing. Allele origin: germline.
Comment: This variant has not been reported in the literature in individuals affected with RP1L1-related conditions. This sequence change falls in intron 3 of the RP1L1 gene. It does not directly change the encoded amino acid sequence of the RP1L1 protein. It affects a nucleotide within the consensus splice site. This variant is present in population databases (rs780916998, gnomAD 0.007%). Variants that disrupt the consensus splice site are a relatively common cause of aberrant splicing (PMID: 17576681, 9536098). Algorithms developed to predict the effect of sequence changes on RNA splicing suggest that this variant is not likely to affect RNA splicing. In summary, the available evidence is currently insufficient to determine the role of this variant in disease. Therefore, it has been classified as a Variant of Uncertain Significance.

Literature cited by the submitters: PubMed 17576681; PubMed 9536098.